The following is an entry in ClinVar:

NM_016373.4(WWOX):c.351C>G (p.Leu117=)

Gene: WWOX (WW domain containing oxidoreductase; plus strand). Cytogenetic location: 16q23.1.
Variant type: single nucleotide variant.
Coding change: c.351C>G on transcript NM_016373.4 (MANE Select); coding-DNA position 351, C replaced by G.
Protein change: p.Leu117=; no amino-acid change (leucine 117 retained).
Molecular consequence: synonymous variant. On other transcripts: non-coding transcript variant (1).
Genome position (GRCh38, 1-based): chr16:78,115,096, C>G. VCF-style: chr16-78115096-C-G. GRCh37 (hg19) VCF-style: chr16-78148993-C-G.
Other names: c.12C>G, p.Leu4= (NM_001291997.2); c.351C>G, p.Leu117= (NM_130791.5).
Identifiers: ClinVar variation 241102 (VCV000241102.15), dbSNP rs34944716, ClinGen allele CA8183167.
Genomic context (GRCh38, chr16:78,115,096, plus strand): 5'-TCCGACCAAGCCAACCACCCGGCAAAGATACGACGGCAGCACCACTGCCATGGAAATTCT[C>G]CAGGGCCGGGATTTCACTGGCAAAGTGGTTGTGGTCACTGGAGCTAATTCAGGAATAGGT-3'
Protein context (NP_057457.1, residues 107-127): YDGSTTAMEI[Leu117=]QGRDFTGKVV

ClinVar aggregate classification (germline): Benign. Review status: criteria provided, multiple submitters, no conflicts (2 of 4 stars). 6 submissions from 5 submitters: Benign (6). Last evaluated 2026-02-03.

Conditions:
Developmental and epileptic encephalopathy, 28 (DEE28). Also called: Epileptic encephalopathy, early infantile, 28. Identifiers: Orphanet 442835, MedGen C4015519, MONDO:0014533, OMIM 616211.
Developmental and epileptic encephalopathy, 1 (DEE1). Also called: Epileptic encephalopathy, early infantile, 1; OHTAHARA SYNDROME, X-LINKED; X-linked infantile spasms; West's syndrome; Tonic spasms with clustering, arrest of psychomotor development and hypsarrhythmia on EEG; X-Linked Infantile Spasm Syndrome. Identifiers: MedGen C3463992, MONDO:0010632, OMIM 308350. Disease mechanism: loss of function.
Autosomal recessive spinocerebellar ataxia 12. Also called: SPINOCEREBELLAR ATAXIA WITH MENTAL RETARDATION AND EPILEPSY. Identifiers: Orphanet 284282, MedGen C3280452, MONDO:0013687, OMIM 614322.

Allele frequency attached by ClinVar (database versions not stated): TOPMed 0.01272; ESP Exome Variant Server 0.01079; gnomAD 0.01147 and 0.01231; 1000 Genomes Project 0.01238; 1000 Genomes Project 30x 0.01374.
gnomAD v4.1: 3,300 of 1,614,146 alleles (0.2%); highest among the groups gnomAD compares: African/African-American, 3.7%; 65 homozygotes.

Submissions (6):

Labcorp Genetics (formerly Invitae), Labcorp
Classification: Benign for Developmental and epileptic encephalopathy, 1; Autosomal recessive spinocerebellar ataxia 12. Last evaluated: 2026-02-03. Review status: criteria provided, single submitter. Criteria: Invitae Variant Classification Sherloc (09022015). Collection method: clinical testing. Allele origin: germline.

Genome-Nilou Lab
Classification: Benign for Developmental and epileptic encephalopathy, 28. Last evaluated: 2021-12-05. Review status: criteria provided, single submitter. Criteria: ACMG Guidelines, 2015. Collection method: clinical testing. Allele origin: germline. Affected: no.

Genome-Nilou Lab
Classification: Benign for Autosomal recessive spinocerebellar ataxia 12. Last evaluated: 2021-12-05. Review status: criteria provided, single submitter. Criteria: ACMG Guidelines, 2015. Collection method: clinical testing. Allele origin: germline. Affected: no.

Athena Diagnostics
Classification: Benign. Last evaluated: 2017-09-14. Review status: criteria provided, single submitter. Criteria: Athena Diagnostics Criteria. Collection method: clinical testing. Allele origin: germline.

GeneDx
Classification: Benign. Last evaluated: 2016-02-22. Review status: criteria provided, single submitter. Criteria: GeneDx Variant Classification (06012015). Collection method: clinical testing. Allele origin: germline. Affected: yes.
Comment: This variant is considered likely benign or benign based on one or more of the following criteria: it is a conservative change, it occurs at a poorly conserved position in the protein, it is predicted to be benign by multiple in silico algorithms, and/or has population frequency not consistent with disease.

Breakthrough Genomics
Classification: Benign. Review status: criteria provided, single submitter. Criteria: ACMG Guidelines, 2015. Collection method: not provided. Allele origin: germline. Inheritance: Autosomal recessive inheritance. Affected: yes.